The following is an entry in ClinVar:

NM_001378964.1(CDON):c.3276+1G>A

Gene: CDON (cell adhesion associated, oncogene regulated; minus strand). Cytogenetic location: 11q24.2.
Variant type: single nucleotide variant.
Coding change: c.3276+1G>A on transcript NM_001378964.1 (MANE Select); the canonical splice donor site of the intron after coding-DNA position 3276, G replaced by A.
Molecular consequence: splice donor variant.
Genome position (GRCh38, 1-based): chr11:125,981,048, C>T on the plus strand (G>A on the coding strand, the complement: CDON is on the minus strand). VCF-style: chr11-125981048-C-T. GRCh37 (hg19) VCF-style: chr11-125850943-C-T.
Other names: c.3276+1G>A (NM_001441166.1, NM_016952.6, NM_001243597.3 and 5 more transcripts).
Identifiers: ClinVar variation 4780857 (VCV004780857.1).

ClinVar aggregate classification (germline): Uncertain significance (1 of 4 stars; one submission).

Conditions:
Holoprosencephaly 11 (HPE11). Identifiers: Orphanet 2162, MedGen C3280215, MONDO:0013642, OMIM 614226.

gnomAD v4.1: 1 of 1,613,604 alleles (0.000062%); highest among the groups gnomAD compares: Non-Finnish European, 0.000085%; no homozygotes.

Submission:

Labcorp Genetics (formerly Invitae), Labcorp
Classification: Uncertain significance for Holoprosencephaly 11. Last evaluated: 2025-11-28. Review status: criteria provided, single submitter. Criteria: Invitae Variant Classification Sherloc (09022015). Collection method: clinical testing. Allele origin: germline.
Comment: This sequence change affects a donor splice site in intron 17 of the CDON gene. It is expected to disrupt RNA splicing. Variants that disrupt the donor or acceptor splice site typically lead to a loss of protein function (PMID: 16199547), however the current clinical and genetic evidence is not sufficient to establish whether loss-of-function variants in CDON cause disease. This variant is not present in population databases (gnomAD no frequency). This variant has not been reported in the literature in individuals affected with CDON-related conditions. Algorithms developed to predict the effect of sequence changes on RNA splicing suggest that this variant may disrupt the consensus splice site. In summary, the available evidence is currently insufficient to determine the role of this variant in disease. Therefore, it has been classified as a Variant of Uncertain Significance.

Literature cited by the submitters: PubMed 16199547.